The following is an entry in ClinVar:

ClinVar aggregate classification (germline): Pathogenic (1 of 4 stars; one submission).

Conditions:
Primary ciliary dyskinesia. Also called: Ciliary dyskinesia. Identifiers: Orphanet 244, MedGen C0008780, MONDO:0016575, HP:0012265.

Submission:

Labcorp Genetics (formerly Invitae), Labcorp
Classification: Pathogenic for Primary ciliary dyskinesia. Last evaluated: 2025-06-14. Review status: criteria provided, single submitter. Criteria: Invitae Variant Classification Sherloc (09022015). Collection method: clinical testing. Allele origin: germline.
Comment: This sequence change creates a premature translational stop signal (p.Leu96Thrfs*15) in the DNAAF1 gene. It is expected to result in an absent or disrupted protein product. Loss-of-function variants in DNAAF1 are known to be pathogenic (PMID: 19944400, 19944405). This variant is present in population databases (rs762604137, gnomAD 0.006%). This variant has not been reported in the literature in individuals affected with DNAAF1-related conditions. For these reasons, this variant has been classified as Pathogenic.

Literature cited by the submitters: PubMed 19944400; PubMed 19944405.

NM_178452.6(DNAAF1):c.285dup (p.Leu96fs)

Gene: DNAAF1 (dynein axonemal assembly factor 1; plus strand). Cytogenetic location: 16q24.1.
Variant type: Duplication.
Coding change: c.285dup on transcript NM_178452.6 (MANE Select); coding-DNA position 285, one base duplicated (A; older notation c.285dupA).
Protein change: p.Leu96fs; shifts the reading frame from leucine 96.
Molecular consequence: frameshift variant.
Genome position (GRCh38, 1-based): chr16:84,150,275, A duplicated; the last of 5 consecutive A bases (chr16:84,150,271-84,150,275); duplicating any one gives the same sequence. VCF-style (leftmost placement, unchanged base first): chr16-84150270-C-CA. GRCh37 (hg19) VCF-style: chr16-84183875-C-CA.
Other names: short protein forms L96fs.
Identifiers: ClinVar variation 4741197 (VCV004741197.1).